The following is an entry in ClinVar:

NM_201253.3(CRB1):c.1026A>C (p.Glu342Asp)

Gene: CRB1 (crumbs cell polarity complex component 1; plus strand). Cytogenetic location: 1q31.3.
Variant type: single nucleotide variant.
Coding change: c.1026A>C on transcript NM_201253.3 (MANE Select); coding-DNA position 1026, A replaced by C.
Protein change: p.Glu342Asp; replaces glutamic acid 342 with aspartic acid.
Molecular consequence: missense variant. On other transcripts: non-coding transcript variant (2).
Genome position (GRCh38, 1-based): chr1:197,356,868, A>C. VCF-style: chr1-197356868-A-C. GRCh37 (hg19) VCF-style: chr1-197325998-A-C.
Other names: c.690A>C, p.Glu230Asp (NM_001193640.2); c.819A>C, p.Glu273Asp (NM_001257965.2); c.1026A>C, p.Glu342Asp (NM_001257966.2); short protein forms E273D, E342D, E230D.
Identifiers: ClinVar variation 1464712 (VCV001464712.8), dbSNP rs144798709, ClinGen allele CA36049986.

ClinVar aggregate classification (germline): Uncertain significance (1 of 4 stars; one submission).

Conditions:
Leber congenital amaurosis 8 (LCA8). Identifiers: Orphanet 65, MedGen C3151202, MONDO:0013453, OMIM 613835.
Retinitis pigmentosa 12 (RP12). Also called: RP WITH OR WITHOUT PPRPE; RP WITH OR WITHOUT PRESERVED PARAARTERIOLE RETINAL PIGMENT EPITHELIUM; RETINITIS PIGMENTOSA WITH OR WITHOUT PARAARTERIOLAR PRESERVATION OF RETINAL PIGMENT EPITHELIUM. Identifiers: Orphanet 791, MedGen C1838647, MONDO:0010818, OMIM 600105.

Allele frequency attached by ClinVar (database versions not stated): gnomAD exomes below 0.00001 and 0.00001; TOPMed below 0.00001; gnomAD 0.00001; ESP Exome Variant Server 0.00008.
gnomAD v4.1: 3 of 1,614,082 alleles (0.00019%); highest among the groups gnomAD compares: African/African-American, 0.004%; no homozygotes.

Submission:

Labcorp Genetics (formerly Invitae), Labcorp
Classification: Uncertain significance for Leber congenital amaurosis 8; Retinitis pigmentosa 12. Last evaluated: 2021-08-05. Review status: criteria provided, single submitter. Criteria: Invitae Variant Classification Sherloc (09022015). Collection method: clinical testing. Allele origin: germline.
Comment: This sequence change replaces glutamic acid with aspartic acid at codon 342 of the CRB1 protein (p.Glu342Asp). The glutamic acid residue is highly conserved and there is a small physicochemical difference between glutamic acid and aspartic acid. This variant is not present in population databases (ExAC no frequency). This variant has not been reported in the literature in individuals with CRB1-related conditions. Advanced modeling of protein sequence and biophysical properties (such as structural, functional, and spatial information, amino acid conservation, physicochemical variation, residue mobility, and thermodynamic stability) performed at Invitae indicates that this missense variant is not expected to disrupt CRB1 protein function. In summary, the available evidence is currently insufficient to determine the role of this variant in disease. Therefore, it has been classified as a Variant of Uncertain Significance.